The following is an entry in ClinVar:

NM_005257.6(GATA6):c.1108C>T (p.Leu370Phe)

Gene: GATA6 (GATA binding protein 6; plus strand). Cytogenetic location: 18q11.2.
Variant type: single nucleotide variant.
Coding change: c.1108C>T on transcript NM_005257.6 (MANE Select); coding-DNA position 1108, C replaced by T.
Protein change: p.Leu370Phe; replaces leucine 370 with phenylalanine.
Molecular consequence: missense variant.
Genome position (GRCh38, 1-based): chr18:22,172,252, C>T. VCF-style: chr18-22172252-C-T. GRCh37 (hg19) VCF-style: chr18-19752213-C-T.
Other names: short protein forms L370F.
Identifiers: ClinVar variation 1362104 (VCV001362104.6), dbSNP rs922570984, ClinGen allele CA297148102.

ClinVar aggregate classification (germline): Uncertain significance (1 of 4 stars; one submission).

Conditions:
Atrioventricular septal defect 5 (AVSD5). Identifiers: MedGen C3280939, MONDO:0013769, OMIM 614474.

Allele frequency attached by ClinVar (database versions not stated): TOPMed below 0.00001; gnomAD exomes 0.00001.
gnomAD v4.1: 4 of 1,533,640 alleles (0.00026%); highest among the groups gnomAD compares: Middle Eastern, 0.019%; no homozygotes.

Submission:

Labcorp Genetics (formerly Invitae), Labcorp
Classification: Uncertain significance for Atrioventricular septal defect 5. Last evaluated: 2025-06-09. Review status: criteria provided, single submitter. Criteria: Invitae Variant Classification Sherloc (09022015). Collection method: clinical testing. Allele origin: germline.
Comment: This sequence change replaces leucine, which is neutral and non-polar, with phenylalanine, which is neutral and non-polar, at codon 370 of the GATA6 protein (p.Leu370Phe). This variant is not present in population databases (gnomAD no frequency). This variant has not been reported in the literature in individuals affected with GATA6-related conditions. ClinVar contains an entry for this variant (Variation ID: 1362104). Invitae Evidence Modeling of protein sequence and biophysical properties (such as structural, functional, and spatial information, amino acid conservation, physicochemical variation, residue mobility, and thermodynamic stability) indicates that this missense variant is not expected to disrupt GATA6 protein function with a negative predictive value of 80%. In summary, the available evidence is currently insufficient to determine the role of this variant in disease. Therefore, it has been classified as a Variant of Uncertain Significance.